The following continues an entry in ClinVar:

NM_153676.4(USH1C):c.216G>A (p.Val72=)

Gene: USH1C. ClinVar aggregate classification (germline): Pathogenic. Pathogenic (12).

Submissions 13 to 19 of 19:

Counsyl
Classification: Likely pathogenic for Autosomal recessive nonsyndromic hearing loss 18A. Last evaluated: 2017-02-14. Review status: no assertion criteria provided. Collection method: clinical testing. Allele origin: unknown. Not counted in ClinVar's aggregate classification.

NIHR Bioresource Rare Diseases, University of Cambridge
Classification: Likely pathogenic for Usher syndrome. Last evaluated: 2015-01-01. Review status: no assertion criteria provided. Collection method: research. Allele origin: unknown. Affected: yes. Observed: 1 variant allele. Not counted in ClinVar's aggregate classification.

OMIM
Classification: Pathogenic for USHER SYNDROME, TYPE IC. Last evaluated: 2002-01-01. Review status: no assertion criteria provided. Collection method: literature only. Allele origin: germline. Not counted in ClinVar's aggregate classification.

Clinical Genetics DNA and cytogenetics Diagnostics Lab, Erasmus MC, Erasmus Medical Center
Classification: Pathogenic. Review status: no assertion criteria provided. Collection method: clinical testing. Allele origin: germline. Affected: yes. Study: VKGL Data-share Consensus. Not counted in ClinVar's aggregate classification.

GeneReviews
No classification provided. Condition: Usher syndrome type 1C. Review status: no classification provided. Collection method: literature only. Allele origin: unknown. Not counted in ClinVar's aggregate classification.

GeneReviews
No classification provided. Condition: Usher syndrome type 1. Review status: no classification provided. Collection method: literature only. Allele origin: germline. Affected: yes. Not counted in ClinVar's aggregate classification.

Joint Genome Diagnostic Labs from Nijmegen and Maastricht, Radboudumc and MUMC+
Classification: Pathogenic. Review status: no assertion criteria provided. Collection method: clinical testing. Allele origin: germline. Affected: yes. Study: VKGL Data-share Consensus. Not counted in ClinVar's aggregate classification.

Literature cited by the submitters: PubMed 17407589 (cited by 5 submitters); PubMed 11810303 (cited by 5 submitters); PubMed 15578223 (cited by 6 submitters); PubMed 15660226 (cited by Labcorp Genetics (formerly Invitae), Labcorp); PubMed 18665195 (cited by Labcorp Genetics (formerly Invitae), Labcorp); PubMed 10973248 (cited by 9 submitters); PubMed 25468891 (cited by Women's Health and Genetics/Laboratory Corporation of America, LabCorp); PubMed 20095043 (cited by Women's Health and Genetics/Laboratory Corporation of America, LabCorp and Laboratory for Molecular Medicine, Mass General Brigham Personalized Medicine); PubMed 12630964 (cited by 3 submitters); PubMed 20613545 (cited by Victorian Clinical Genetics Services, Murdoch Childrens Research Institute); PubMed 29276601 (cited by Victorian Clinical Genetics Services, Murdoch Childrens Research Institute); PubMed 17174357 (cited by Laboratory for Molecular Medicine, Mass General Brigham Personalized Medicine); PubMed 11139240 (cited by Laboratory for Molecular Medicine, Mass General Brigham Personalized Medicine and Counsyl); PubMed 11239869 (cited by Laboratory for Molecular Medicine, Mass General Brigham Personalized Medicine); PubMed 21436283 (cited by Laboratory for Molecular Medicine, Mass General Brigham Personalized Medicine); PubMed 28041643 (cited by NIHR Bioresource Rare Diseases, University of Cambridge); PubMed 20301442 (cited by GeneReviews); NCBI Bookshelf NBK1265 (cited by GeneReviews).